The following is an entry in ClinVar:

NM_000038.6(APC):c.*1164G>A

Gene: APC (APC regulator of Wnt signaling pathway; plus strand). Cytogenetic location: 5q22.2.
Variant type: single nucleotide variant.
Coding change: c.*1164G>A on transcript NM_000038.6 (MANE Select); 1164 bases downstream of the stop codon, G replaced by A.
Molecular consequence: 3 prime UTR variant.
Genome position (GRCh38, 1-based): chr5:112,845,290, G>A. VCF-style: chr5-112845290-G-A. GRCh37 (hg19) VCF-style: chr5-112180987-G-A.
Other names: c.*1164G>A (NM_001127510.3, NM_001127511.3, NM_001354895.2 and 11 more transcripts).
Identifiers: ClinVar variation 350441 (VCV000350441.5), dbSNP rs576186544, ClinGen allele CA10622283.

ClinVar aggregate classification (germline): Benign (1 of 4 stars; one submission).

Conditions:
APC-Associated Polyposis Disorders.

Allele frequency attached by ClinVar (database versions not stated): gnomAD 0.00001 and 0.00004; gnomAD exomes 0.00004; TOPMed 0.00004; 1000 Genomes Project 30x 0.00031; 1000 Genomes Project 0.00040.
gnomAD v4.1: 9 of 232,578 alleles (0.0039%); highest among the groups gnomAD compares: East Asian, 0.055%; no homozygotes.

Submission:

Illumina Laboratory Services, Illumina
Classification: Benign for APC-Associated Polyposis Disorders. Last evaluated: 2018-01-13. Review status: criteria provided, single submitter. Criteria: ICSL Variant Classification Criteria 13 December 2019. Collection method: clinical testing. Allele origin: germline.
Comment: This variant was observed in the ICSL laboratory as part of a predisposition screen in an ostensibly healthy population. It had not been previously curated by ICSL or reported in the Human Gene Mutation Database (HGMD: prior to June 1st, 2018), and was therefore a candidate for classification through an automated scoring system. Utilizing variant allele frequency, disease prevalence and penetrance estimates, and inheritance mode, an automated score was calculated to assess if this variant is too frequent to cause the disease. Based on the score and internal cut-off values, a variant classified as benign is not then subjected to further curation. The score for this variant resulted in a classification of benign for this disease.